The following is an entry in ClinVar:

NM_004130.4(GYG1):c.363A>G (p.Ser121=)

Gene: GYG1 (glycogenin 1; plus strand). Cytogenetic location: 3q24.
Variant type: single nucleotide variant.
Coding change: c.363A>G on transcript NM_004130.4 (MANE Select); coding-DNA position 363, A replaced by G.
Protein change: p.Ser121=; no amino-acid change (serine 121 retained).
Molecular consequence: synonymous variant.
Genome position (GRCh38, 1-based): chr3:148,996,786, A>G. VCF-style: chr3-148996786-A-G. GRCh37 (hg19) VCF-style: chr3-148714573-A-G.
Other names: c.363A>G (NM_004130.3); c.363A>G, p.Ser121= (NM_001184720.2, NM_001184721.2).
Identifiers: ClinVar variation 4789090 (VCV004789090.2).

ClinVar aggregate classification (germline): Likely benign. Review status: criteria provided, multiple submitters, no conflicts (2 of 4 stars). 2 submissions from 2 submitters: Likely benign (2). Last evaluated 2026-05-19.

Conditions:
GYG1-related disorder. Also called: GYG1-related condition.
Glycogen storage disease XV (GSD15). Also called: GLYCOGENIN DEFICIENCY; GSD XV. Identifiers: Orphanet 263297, MedGen C3150754, MONDO:0013291, OMIM 613507.
Polyglucosan body myopathy type 2. Identifiers: Orphanet 456369, MedGen C4015452, MONDO:0014526, OMIM 616199.

gnomAD v4.1: 8 of 1,613,742 alleles (0.0005%); highest among the groups gnomAD compares: Non-Finnish European, 0.00059%; no homozygotes.

Submissions (2):

PreventionGenetics, part of Exact Sciences
Classification: Likely benign for GYG1-related condition. Last evaluated: 2026-05-19. Review status: criteria provided, single submitter. Criteria: ACMG Guidelines, 2015. Collection method: clinical testing. Allele origin: germline.
Comment: This variant is classified as likely benign based on ACMG/AMP sequence variant interpretation guidelines (Richards et al. 2015 PMID: 25741868, with internal and published modifications).

Labcorp Genetics (formerly Invitae), Labcorp
Classification: Likely benign for Polyglucosan body myopathy type 2; Glycogen storage disease XV. Last evaluated: 2025-07-31. Review status: criteria provided, single submitter. Criteria: Invitae Variant Classification Sherloc (09022015). Collection method: clinical testing. Allele origin: germline.